The following is an entry in ClinVar:

NM_001384140.1(PCDH15):c.2526+2T>C

Gene: PCDH15 (protocadherin related 15; minus strand). Cytogenetic location: 10q21.1.
Variant type: single nucleotide variant.
Coding change: c.2526+2T>C on transcript NM_001384140.1 (MANE Select); the canonical splice donor site of the intron after coding-DNA position 2526, T replaced by C.
Molecular consequence: splice donor variant.
Genome position (GRCh38, 1-based): chr10:54,022,890, A>G on the plus strand (T>C on the coding strand, the complement: PCDH15 is on the minus strand). VCF-style: chr10-54022890-A-G. GRCh37 (hg19) VCF-style: chr10-55782650-A-G.
Other names: c.2526+2T>C (NM_001354420.2, NM_001354429.2, NM_001142772.2 and 5 more transcripts); c.2541+2T>C (NM_001142771.2, NM_001142763.2); c.2547+2T>C (NM_001354411.2); c.2562+2T>C (NM_001142769.3); c.2460+2T>C (NM_001354404.2, NM_001142773.2, NM_001142768.2); c.2415+2T>C (NM_001142767.2); c.2313+2T>C (NM_001142765.2).
Identifiers: ClinVar variation 1495745 (VCV001495745.6), dbSNP rs2135319137, ClinGen allele CA376522935.

ClinVar aggregate classification (germline): Likely pathogenic (1 of 4 stars; one submission).

Submission:

Labcorp Genetics (formerly Invitae), Labcorp
Classification: Likely pathogenic. Last evaluated: 2021-11-26. Review status: criteria provided, single submitter. Criteria: Invitae Variant Classification Sherloc (09022015). Collection method: clinical testing. Allele origin: germline.
Comment: In summary, the currently available evidence indicates that the variant is pathogenic, but additional data are needed to prove that conclusively. Therefore, this variant has been classified as Likely Pathogenic. Algorithms developed to predict the effect of sequence changes on RNA splicing suggest that this variant may disrupt the consensus splice site. This variant has not been reported in the literature in individuals affected with PCDH15-related conditions. This variant is not present in population databases (gnomAD no frequency). This sequence change affects a donor splice site in intron 19 of the PCDH15 gene. It is expected to disrupt RNA splicing. Variants that disrupt the donor or acceptor splice site typically lead to a loss of protein function (PMID: 16199547), and loss-of-function variants in PCDH15 are known to be pathogenic (PMID: 11398101, 11487575, 14570705).

Literature cited by the submitters: PubMed 16199547; PubMed 11398101; PubMed 11487575; PubMed 14570705.